The following is an entry in ClinVar:

NM_002519.3(NPAT):c.1337C>T (p.Ser446Phe)

Gene: NPAT (nuclear protein, coactivator of histone transcription; minus strand). Cytogenetic location: 11q22.3.
Variant type: single nucleotide variant.
Coding change: c.1337C>T on transcript NM_002519.3 (MANE Select); coding-DNA position 1337, C replaced by T.
Protein change: p.Ser446Phe; replaces serine 446 with phenylalanine.
Molecular consequence: missense variant.
Genome position (GRCh38, 1-based): chr11:108,173,647, G>A on the plus strand (C>T on the coding strand, the complement: NPAT is on the minus strand). VCF-style: chr11-108173647-G-A. GRCh37 (hg19) VCF-style: chr11-108044374-G-A.
Other names: c.1337C>T, p.Ser446Phe (NM_001321307.1); short protein forms S446F.
Identifiers: ClinVar variation 1770269 (VCV001770269.2), dbSNP rs2496721702, ClinGen allele CA382515564.
Genomic context (GRCh38, chr11:108,173,647, plus strand): 5'-TGTGGATTACATTCAGCATTAGAATTCCCTCTTTGGTTAAAGTCATTCAAATTAGGCACG[G>A]ACTCAAAGGTAATGTCAATGTCACACTTCTGTTCAGTGGGTACAGCTGTTTTAAAGGCCT-3'
Protein context (NP_002510.2, residues 436-456): QKCDIDITFE[Ser446Phe]VPNLNDFNQR

ClinVar aggregate classification (germline): Uncertain significance (1 of 4 stars; one submission).

Submission:

Ambry Genetics
Classification: Uncertain significance. Last evaluated: 2022-03-14. Review status: criteria provided, single submitter. Criteria: Ambry Variant Classification Scheme 2023. Collection method: clinical testing. Allele origin: germline.
Comment: The p.S446F variant (also known as c.1337C>T), located in coding exon 13 of the NPAT gene, results from a C to T substitution at nucleotide position 1337. The serine at codon 446 is replaced by phenylalanine, an amino acid with highly dissimilar properties. This amino acid position is conserved. In addition, this alteration is predicted to be tolerated by in silico analysis. Since supporting evidence is limited at this time, the clinical significance of this alteration remains unclear.